The following is an entry in ClinVar:

NM_001079559.3(HNRNPUL2):c.313C>G (p.Gln105Glu)

Genes: HNRNPUL2 (heterogeneous nuclear ribonucleoprotein U like 2; minus strand), HNRNPUL2-BSCL2 (HNRNPUL2-BSCL2 readthrough (NMD candidate); minus strand). Cytogenetic location: 11q12.3.
Variant type: single nucleotide variant.
Coding change: c.313C>G on transcript NM_001079559.3 (MANE Select); coding-DNA position 313, C replaced by G.
Protein change: p.Gln105Glu; replaces glutamine 105 with glutamic acid.
Molecular consequence: missense variant. On other transcripts: non-coding transcript variant (1).
Genome position (GRCh38, 1-based): chr11:62,726,844, G>C on the plus strand (C>G on the coding strand, the complement: HNRNPUL2 is on the minus strand). VCF-style: chr11-62726844-G-C. GRCh37 (hg19) VCF-style: chr11-62494316-G-C.
Other names: short protein forms Q105E.
Identifiers: ClinVar variation 5022686 (VCV005022686.1).

ClinVar aggregate classification (germline): Uncertain significance (1 of 4 stars; one submission).

Conditions:
Inborn genetic diseases. Identifiers: MedGen C0950123, MeSH D030342.

gnomAD v4.1: 2 of 1,589,294 alleles (0.00013%); highest among the groups gnomAD compares: Non-Finnish European, 0.00017%; no homozygotes.

Submission:

Ambry Genetics
Classification: Uncertain significance for Inborn genetic diseases. Last evaluated: 2026-07-28. Review status: criteria provided, single submitter. Criteria: Ambry Variant Classification Scheme 2023. Collection method: clinical testing. Allele origin: germline.
Comment: The c.313C>G (p.Q105E) alteration is located in exon 1 (coding exon 1) of the HNRNPUL2 gene. This alteration results from a C to G substitution at nucleotide position 313, causing the glutamine (Q) at amino acid position 105 to be replaced by a glutamic acid (E). Based on data from gnomAD, the G allele has an overall frequency of <0.001% (0/209866) total alleles studied. The highest observed frequency was <0.001% (/) of alleles. Based on insufficient or conflicting evidence, the clinical significance of this alteration remains unclear.